The following is an entry in ClinVar:

NM_003924.4(PHOX2B):c.253C>T (p.Leu85Phe)

Gene: PHOX2B (paired like homeobox 2B; minus strand). Cytogenetic location: 4p13.
Variant type: single nucleotide variant.
Coding change: c.253C>T on transcript NM_003924.4 (MANE Select); coding-DNA position 253, C replaced by T.
Protein change: p.Leu85Phe; replaces leucine 85 with phenylalanine.
Molecular consequence: missense variant.
Genome position (GRCh38, 1-based): chr4:41,747,525, G>A on the plus strand (C>T on the coding strand, the complement: PHOX2B is on the minus strand). VCF-style: chr4-41747525-G-A. GRCh37 (hg19) VCF-style: chr4-41749542-G-A.
Other names: short protein forms L85F.
Identifiers: ClinVar variation 1043465 (VCV001043465.11), dbSNP rs766200980, ClinGen allele CA356740580.

ClinVar aggregate classification (germline): Uncertain significance. Review status: criteria provided, multiple submitters, no conflicts (2 of 4 stars). 2 submissions from 2 submitters: Uncertain significance (2). Last evaluated 2022-08-24.

Conditions:
Haddad syndrome (OHD). Also called: Ondine-Hirschsprung disease. Identifiers: Orphanet 99803, MedGen C1859049, MONDO:0020493.
Hereditary cancer-predisposing syndrome. Also called: Hereditary Cancer Syndrome; Tumor predisposition; Hereditary neoplastic syndrome; Neoplastic Syndromes, Hereditary. Identifiers: Orphanet 140162, MedGen C0027672, MeSH D009386, MONDO:0015356.

Submissions (2):

Ambry Genetics
Classification: Uncertain significance for Hereditary cancer-predisposing syndrome. Last evaluated: 2022-08-24. Review status: criteria provided, single submitter. Criteria: Ambry Variant Classification Scheme 2023. Collection method: clinical testing. Allele origin: germline.
Comment: The p.L85F variant (also known as c.253C>T), located in coding exon 2 of the PHOX2B gene, results from a C to T substitution at nucleotide position 253. The leucine at codon 85 is replaced by phenylalanine, an amino acid with highly similar properties. This amino acid position is conserved. In addition, the in silico prediction for this alteration is inconclusive. Since supporting evidence is limited at this time, the clinical significance of this alteration remains unclear.

Labcorp Genetics (formerly Invitae), Labcorp
Classification: Uncertain significance for Haddad syndrome. Last evaluated: 2020-10-05. Review status: criteria provided, single submitter. Criteria: Invitae Variant Classification Sherloc (09022015). Collection method: clinical testing. Allele origin: germline.
Comment: In summary, the available evidence is currently insufficient to determine the role of this variant in disease. Therefore, it has been classified as a Variant of Uncertain Significance. Algorithms developed to predict the effect of missense changes on protein structure and function are either unavailable or do not agree on the potential impact of this missense change (SIFT: "Deleterious"; PolyPhen-2: "Benign"; Align-GVGD: "Class C15"). This variant has not been reported in the literature in individuals with PHOX2B-related conditions. This variant is not present in population databases (ExAC no frequency). This sequence change replaces leucine with phenylalanine at codon 85 of the PHOX2B protein (p.Leu85Phe). The leucine residue is highly conserved and there is a small physicochemical difference between leucine and phenylalanine.